The following is an entry in ClinVar:

NM_001252024.2(TRPM1):c.4466C>T (p.Thr1489Met)

Gene: TRPM1 (transient receptor potential cation channel subfamily M member 1; minus strand). Cytogenetic location: 15q13.3.
Variant type: single nucleotide variant.
Coding change: c.4466C>T on transcript NM_001252024.2 (MANE Select); coding-DNA position 4466, C replaced by T.
Protein change: p.Thr1489Met; replaces threonine 1489 with methionine.
Molecular consequence: missense variant.
Genome position (GRCh38, 1-based): chr15:31,002,234, G>A on the plus strand (C>T on the coding strand, the complement: TRPM1 is on the minus strand). VCF-style: chr15-31002234-G-A. GRCh37 (hg19) VCF-style: chr15-31294437-G-A.
Other names: c.4517C>T, p.Thr1506Met (NM_001252020.2); c.4400C>T, p.Thr1467Met (NM_002420.6); short protein forms T1467M, T1489M, T1506M.
Identifiers: ClinVar variation 963376 (VCV000963376.8), dbSNP rs756982108, ClinGen allele CA7451637.

ClinVar aggregate classification (germline): Uncertain significance. Review status: criteria provided, multiple submitters, no conflicts (2 of 4 stars). 2 submissions from 2 submitters: Uncertain significance (2). Last evaluated 2023-03-22.

Allele frequency attached by ClinVar (database versions not stated): gnomAD exomes 0.00001 and 0.00002; ExAC 0.00002; gnomAD 0.00002; TOPMed 0.00002.
gnomAD v4.1: 22 of 1,614,076 alleles (0.0014%); highest among the groups gnomAD compares: South Asian, 0.0033%; no homozygotes.

Submissions (2):

Blueprint Genetics
Classification: Uncertain significance. Last evaluated: 2023-03-22. Review status: criteria provided, single submitter. Criteria: ACMG Guidelines, 2015. Collection method: clinical testing. Allele origin: germline.

Labcorp Genetics (formerly Invitae), Labcorp
Classification: Uncertain significance. Last evaluated: 2021-09-01. Review status: criteria provided, single submitter. Criteria: Invitae Variant Classification Sherloc (09022015). Collection method: clinical testing. Allele origin: germline.
Comment: This sequence change replaces threonine with methionine at codon 1467 of the TRPM1 protein (p.Thr1467Met). The threonine residue is moderately conserved and there is a moderate physicochemical difference between threonine and methionine. This variant is present in population databases (rs756982108, ExAC 0.006%). This variant has not been reported in the literature in individuals affected with TRPM1-related conditions. Algorithms developed to predict the effect of missense changes on protein structure and function are either unavailable or do not agree on the potential impact of this missense change (SIFT: "Deleterious"; PolyPhen-2: "Benign"; Align-GVGD: "Class C0"). In summary, the available evidence is currently insufficient to determine the role of this variant in disease. Therefore, it has been classified as a Variant of Uncertain Significance.